The following is an entry in ClinVar:

NM_001447.3(FAT2):c.5916C>T (p.Val1972=)

Genes: SLC36A1 (solute carrier family 36 member 1; plus strand), FAT2 (FAT atypical cadherin 2; minus strand). Cytogenetic location: 5q33.1.
Variant type: single nucleotide variant.
Coding change: c.5916C>T on transcript NM_001447.3 (MANE Select); coding-DNA position 5916, C replaced by T.
Protein change: p.Val1972=; no amino-acid change (valine 1972 retained).
Molecular consequence: synonymous variant.
Genome position (GRCh38, 1-based): chr5:151,545,211, G>A on the plus strand (C>T on the coding strand, the complement: FAT2 is on the minus strand). VCF-style: chr5-151545211-G-A. GRCh37 (hg19) VCF-style: chr5-150924772-G-A.
Identifiers: ClinVar variation 2895006 (VCV002895006.25), dbSNP rs201060619, ClinGen allele CA3521209.
Genomic context (GRCh38, chr5:151,545,211, plus strand): 5'-GGCACCAAGAATCACCAGTGCCTTTCTGTCCTGCAAGTTCTCCTTCACAGCTGCCCAGTA[G>A]ACATCCTGATCAAACTGCAAGCTTTTGTCAAGCACTTGGGTCAAAGAAATTTTTACCAGC-3'
Protein context (NP_001438.1, residues 1962-1982): LDKSLQFDQD[Val1972=]YWAAVKENLQ

ClinVar aggregate classification (germline): Likely benign. Review status: criteria provided, multiple submitters, no conflicts (2 of 4 stars). 2 submissions from 2 submitters: Likely benign (2). Last evaluated 2024-01-01.

Allele frequency attached by ClinVar (database versions not stated): gnomAD 0.00002; TOPMed 0.00002.
gnomAD v4.1: 53 of 1,614,214 alleles (0.0033%); highest among the groups gnomAD compares: Middle Eastern, 0.2%; no homozygotes.

Submissions (2):

CeGaT Center for Human Genetics Tuebingen
Classification: Likely benign. Last evaluated: 2024-01-01. Review status: criteria provided, single submitter. Criteria: CeGaT Center For Human Genetics Tuebingen Variant Classification Criteria Version 2. Collection method: clinical testing. Allele origin: germline. Affected: yes. Observed: 1 variant allele.
Comment: FAT2: BP4, BP7

Labcorp Genetics (formerly Invitae), Labcorp
Classification: Likely benign. Last evaluated: 2023-08-17. Review status: criteria provided, single submitter. Criteria: Invitae Variant Classification Sherloc (09022015). Collection method: clinical testing. Allele origin: germline.